The following is an entry in ClinVar:

ClinVar aggregate classification (germline): Uncertain significance. Review status: criteria provided, single submitter (1 of 4 stars). 2 submissions from 2 submitters: Uncertain significance (1). 1 of the submissions does not count toward it. Last evaluated 2023-05-04.

Conditions:
HECW2-related disorder. Also called: HECW2-related condition.

Allele frequency attached by ClinVar (database versions not stated): TOPMed below 0.00001.
gnomAD v4.1: 5 of 1,613,896 alleles (0.00031%); highest among the groups gnomAD compares: Non-Finnish European, 0.00034%; no homozygotes.

Submissions (2):

Clinical Genetics Laboratory, Skane University Hospital Lund
Classification: Uncertain significance. Last evaluated: 2023-05-04. Review status: criteria provided, single submitter. Criteria: ACMG Guidelines, 2015. Collection method: clinical testing. Allele origin: germline. Affected: yes.

PreventionGenetics, part of Exact Sciences
Classification: Uncertain significance for HECW2-related condition. Last evaluated: 2024-02-15. Review status: no assertion criteria provided. Collection method: clinical testing. Allele origin: germline. Not counted in ClinVar's aggregate classification.
Comment: The HECW2 c.4186C>A variant is predicted to result in the amino acid substitution p.Pro1396Thr. To our knowledge, this variant has not been reported in the literature. This variant is reported in 0.0026% of alleles in individuals of European (Non-Finnish) descent in gnomAD. At this time, the clinical significance of this variant is uncertain due to the absence of conclusive functional and genetic evidence.

NM_001348768.2(HECW2):c.4186C>A (p.Pro1396Thr)

Gene: HECW2 (HECT, C2 and WW domain containing E3 ubiquitin protein ligase 2; minus strand). Cytogenetic location: 2q32.3.
Variant type: single nucleotide variant.
Coding change: c.4186C>A on transcript NM_001348768.2 (MANE Select); coding-DNA position 4186, C replaced by A.
Protein change: p.Pro1396Thr; replaces proline 1396 with threonine.
Molecular consequence: missense variant.
Genome position (GRCh38, 1-based): chr2:196,220,902, G>T on the plus strand (C>A on the coding strand, the complement: HECW2 is on the minus strand). VCF-style: chr2-196220902-G-T. GRCh37 (hg19) VCF-style: chr2-197085626-G-T.
Other names: c.3118C>A, p.Pro1040Thr (NM_001304840.3); c.4186C>A, p.Pro1396Thr (NM_020760.4); short protein forms P1040T, P1396T.
Identifiers: ClinVar variation 3061694 (VCV003061694.3), dbSNP rs771096444, ClinGen allele CA2037564.